The following is an entry in ClinVar:

NM_006231.4(POLE):c.5865_5885dup (p.Asp1955_Gly1961dup)

Gene: POLE (DNA polymerase epsilon, catalytic subunit; minus strand). Cytogenetic location: 12q24.33.
Variant type: Duplication.
Coding change: c.5865_5885dup on transcript NM_006231.4 (MANE Select); coding-DNA positions 5865 to 5885, 21 bases duplicated (TGAGGAGGAAAGAGATGGGGA).
Protein change: p.Asp1955_Gly1961dup.
Molecular consequence: inframe insertion.
Genome position (GRCh38, 1-based): chr12:132,634,305-132,634,325, TCCCCATCTCTTTCCTCCTCA duplicated on the plus strand (TGAGGAGGAAAGAGATGGGGA on the coding strand, the reverse complement: POLE is on the minus strand); duplicating any 21 consecutive bases within chr12:132,634,305-132,634,327 gives the same sequence; the c. name uses the placement nearest the transcript's 3' end. VCF-style (leftmost placement, unchanged base first): chr12-132634304-C-CTCCCCATCTCTTTCCTCCTCA. GRCh37 (hg19) VCF-style: chr12-133210890-C-CTCCCCATCTCTTTCCTCCTCA.
Identifiers: ClinVar variation 661376 (VCV000661376.8), dbSNP rs1593712270, ClinGen allele CA915946801.
Genomic context (GRCh38, chr12:132,634,304, plus strand): 5'-AATGTTCCAGTTGTTTTCCAGTAAATCCTCCACGTTGGATTCCTCCGCCTCTTCCTCCTC[C>CTCCCCATCTCTTTCCTCCTCA]TCCCCATCTCTTTCCTCCTCATCGTCCTCATTTTCCTGCTCATCCTCTGCTCCCCCTGCT-3'

ClinVar aggregate classification (germline): Uncertain significance (1 of 4 stars; one submission).

Submission:

Labcorp Genetics (formerly Invitae), Labcorp
Classification: Uncertain significance. Last evaluated: 2025-05-27. Review status: criteria provided, single submitter. Criteria: Invitae Variant Classification Sherloc (09022015). Collection method: clinical testing. Allele origin: germline.
Comment: This variant, c.5865_5885dup, results in the insertion of 7 amino acid(s) of the POLE protein (p.Asp1955_Gly1961dup), but otherwise preserves the integrity of the reading frame. This variant is not present in population databases (gnomAD no frequency). This variant has not been reported in the literature in individuals affected with POLE-related conditions. ClinVar contains an entry for this variant (Variation ID: 661376). Experimental studies and prediction algorithms are not available or were not evaluated, and the functional significance of this variant is currently unknown. In summary, the available evidence is currently insufficient to determine the role of this variant in disease. Therefore, it has been classified as a Variant of Uncertain Significance.